The following is an entry in ClinVar:

ClinVar aggregate classification (germline): Likely benign (1 of 4 stars; one submission).

Submission:

CeGaT Center for Human Genetics Tuebingen
Classification: Likely benign. Last evaluated: 2024-11-01. Review status: criteria provided, single submitter. Criteria: CeGaT Center For Human Genetics Tuebingen Variant Classification Criteria Version 2. Collection method: clinical testing. Allele origin: germline. Affected: yes. Observed: 1 variant allele.
Comment: KIAA0586: PM2:Supporting, BP4, BP7

NM_001329943.3(KIAA0586):c.450T>C (p.His150=)

Gene: KIAA0586 (KIAA0586; plus strand). Cytogenetic location: 14q23.1.
Variant type: single nucleotide variant.
Coding change: c.450T>C on transcript NM_001329943.3 (MANE Select); coding-DNA position 450, T replaced by C.
Protein change: p.His150=; no amino-acid change (histidine 150 retained).
Molecular consequence: synonymous variant.
Genome position (GRCh38, 1-based): chr14:58,442,745, T>C. VCF-style: chr14-58442745-T-C. GRCh37 (hg19) VCF-style: chr14-58909463-T-C.
Other names: c.609T>C, p.His203= (NM_001244189.2); c.405T>C, p.His135= (NM_001244190.2); c.195T>C, p.His65= (NM_001244191.2, NM_001329945.2, NM_001364700.1 and 1 more transcripts); c.318T>C, p.His106= (NM_001244192.2); c.30T>C, p.His10= (NM_001244193.2); c.450T>C, p.His150= (NM_001329944.2, NM_001329946.2, NM_001329947.2 and 1 more transcripts).
Identifiers: ClinVar variation 3390043 (VCV003390043.14).